The following is an entry in ClinVar:

ClinVar aggregate classification (germline): Uncertain significance (1 of 4 stars; one submission).

Conditions:
Pierpont syndrome (PRPTS). Identifiers: Orphanet 487825, MedGen C1865644, MONDO:0011213, OMIM 602342.

Submission:

Labcorp Genetics (formerly Invitae), Labcorp
Classification: Uncertain significance for Pierpont syndrome. Last evaluated: 2021-02-02. Review status: criteria provided, single submitter. Criteria: Invitae Variant Classification Sherloc (09022015). Collection method: clinical testing. Allele origin: germline.
Comment: In summary, the available evidence is currently insufficient to determine the role of this variant in disease. Therefore, it has been classified as a Variant of Uncertain Significance. Advanced modeling of protein sequence and biophysical properties (such as structural, functional, and spatial information, amino acid conservation, physicochemical variation, residue mobility, and thermodynamic stability) performed at Invitae indicates that this missense variant is expected to disrupt TBL1XR1 protein function. This variant has not been reported in the literature in individuals with TBL1XR1-related conditions. This variant is not present in population databases (ExAC no frequency). This sequence change replaces glycine with aspartic acid at codon 41 of the TBL1XR1 protein (p.Gly41Asp). The glycine residue is highly conserved and there is a moderate physicochemical difference between glycine and aspartic acid.

NM_024665.7(TBL1XR1):c.122G>A (p.Gly41Asp)

Gene: TBL1XR1 (TBL1X/Y related 1; minus strand). Cytogenetic location: 3q26.32.
Variant type: single nucleotide variant.
Coding change: c.122G>A on transcript NM_024665.7 (MANE Select); coding-DNA position 122, G replaced by A.
Protein change: p.Gly41Asp; replaces glycine 41 with aspartic acid.
Molecular consequence: missense variant. On other transcripts: 5 prime UTR variant (2).
Genome position (GRCh38, 1-based): chr3:177,053,855, C>T on the plus strand (G>A on the coding strand, the complement: TBL1XR1 is on the minus strand). VCF-style: chr3-177053855-C-T. GRCh37 (hg19) VCF-style: chr3-176771643-C-T.
Other names: c.122G>A, p.Gly41Asp (NM_001321193.3, NM_001321194.3, NM_001374327.1 and 2 more transcripts); c.-140G>A (NM_001321195.3, NM_001374330.1); short protein forms G41D.
Identifiers: ClinVar variation 1477821 (VCV001477821.8), dbSNP rs1234470093, ClinGen allele CA355553709.